The following is an entry in ClinVar:

ClinVar aggregate classification (germline): Uncertain significance (1 of 4 stars; one submission).

Conditions:
Bardet-Biedl syndrome (BBS). Identifiers: Orphanet 110, MedGen C0752166, MONDO:0015229.

Allele frequency attached by ClinVar (database versions not stated): gnomAD exomes below 0.00001; ExAC 0.00001; gnomAD 0.00001.
gnomAD v4.1: 14 of 1,613,538 alleles (0.00087%); highest among the groups gnomAD compares: Middle Eastern, 0.016%; no homozygotes.

Submission:

Labcorp Genetics (formerly Invitae), Labcorp
Classification: Uncertain significance for Bardet-Biedl syndrome. Last evaluated: 2021-12-02. Review status: criteria provided, single submitter. Criteria: Invitae Variant Classification Sherloc (09022015). Collection method: clinical testing. Allele origin: germline.
Comment: This sequence change replaces isoleucine, which is neutral and non-polar, with valine, which is neutral and non-polar, at codon 640 of the BBS10 protein (p.Ile640Val). This variant is present in population databases (rs748647079, gnomAD 0.003%). This variant has not been reported in the literature in individuals affected with BBS10-related conditions. ClinVar contains an entry for this variant (Variation ID: 462955). Algorithms developed to predict the effect of missense changes on protein structure and function output the following: SIFT: "Tolerated"; PolyPhen-2: "Benign"; Align-GVGD: "Class C0". The valine amino acid residue is found in multiple mammalian species, which suggests that this missense change does not adversely affect protein function. In summary, the available evidence is currently insufficient to determine the role of this variant in disease. Therefore, it has been classified as a Variant of Uncertain Significance.

NM_024685.4(BBS10):c.1918A>G (p.Ile640Val)

Gene: BBS10 (Bardet-Biedl syndrome 10; minus strand). Cytogenetic location: 12q21.2.
Variant type: single nucleotide variant.
Coding change: c.1918A>G on transcript NM_024685.4 (MANE Select); coding-DNA position 1918, A replaced by G.
Protein change: p.Ile640Val; replaces isoleucine 640 with valine.
Molecular consequence: missense variant.
Genome position (GRCh38, 1-based): chr12:76,346,067, T>C on the plus strand (A>G on the coding strand, the complement: BBS10 is on the minus strand). VCF-style: chr12-76346067-T-C. GRCh37 (hg19) VCF-style: chr12-76739847-T-C.
Other names: c.1918A>G, p.Ile640Val (LRG_1255t1); short protein forms I640V.
Identifiers: ClinVar variation 462955 (VCV000462955.4), dbSNP rs748647079, ClinGen allele CA6694084.